The following is an entry in ClinVar:

ClinVar aggregate classification (germline): Benign. Review status: criteria provided, multiple submitters, no conflicts (2 of 4 stars). 3 submissions from 3 submitters: Benign (3). Last evaluated 2026-01-28.

Allele frequency attached by ClinVar (database versions not stated): 1000 Genomes Project 0.04752; 1000 Genomes Project 30x 0.04997; TOPMed 0.05297; ESP Exome Variant Server 0.06082.
gnomAD v4.1: 79,043 of 1,612,438 alleles (4.9%); highest among the groups gnomAD compares: African/African-American, 8.2%; 2,218 homozygotes.

Submissions (3):

Labcorp Genetics (formerly Invitae), Labcorp
Classification: Benign. Last evaluated: 2026-01-28. Review status: criteria provided, single submitter. Criteria: Invitae Variant Classification Sherloc (09022015). Collection method: clinical testing. Allele origin: germline.

GeneDx
Classification: Benign. Last evaluated: 2016-01-08. Review status: criteria provided, single submitter. Criteria: GeneDx Variant Classification (06012015). Collection method: clinical testing. Allele origin: germline. Affected: yes.
Comment: This variant is considered likely benign or benign based on one or more of the following criteria: it is a conservative change, it occurs at a poorly conserved position in the protein, it is predicted to be benign by multiple in silico algorithms, and/or has population frequency not consistent with disease.

Breakthrough Genomics
Classification: Benign. Review status: criteria provided, single submitter. Criteria: ACMG Guidelines, 2015. Collection method: not provided. Allele origin: germline. Inheritance: Autosomal recessive inheritance. Affected: yes.

NM_144628.4(TBC1D20):c.525-15A>C

Gene: TBC1D20 (TBC1 domain family member 20; minus strand). Cytogenetic location: 20p13.
Variant type: single nucleotide variant.
Coding change: c.525-15A>C on transcript NM_144628.4 (MANE Select); 15 bases into the intron before coding-DNA position 525, A replaced by C.
Molecular consequence: intron variant.
Genome position (GRCh38, 1-based): chr20:441,704, T>G on the plus strand (A>C on the coding strand, the complement: TBC1D20 is on the minus strand). VCF-style: chr20-441704-T-G. GRCh37 (hg19) VCF-style: chr20-422348-T-G.
Identifiers: ClinVar variation 382135 (VCV000382135.10), dbSNP rs6084439, ClinGen allele CA9723608.
Genomic context (GRCh38, chr20:441,704, plus strand): 5'-GTTTAATATATGCTTGGTGTTGTCCATTGTTGGATCCATAAAATCCCTGGAGGGAGACAA[T>G]TCAATAAGCCTGGTTACCAAACACTTAGATCAGGGCTCAGGGTGGCGAGGGCTCAAACTC-3'